The following is an entry in ClinVar:

ClinVar aggregate classification (germline): Conflicting classifications of pathogenicity. Review status: criteria provided, conflicting classifications (1 of 4 stars). 5 submissions from 5 submitters: Uncertain significance (1); Likely benign (4). Last evaluated 2025-07-02.

Conditions:
Arrhythmogenic right ventricular dysplasia 8 (ARVD8). Also called: ARRHYTHMOGENIC RIGHT VENTRICULAR CARDIOMYOPATHY 8; Arrhythmogenic Right Ventricular Dysplasia/Cardiomyopathy 8; ARRHYTHMOGENIC RIGHT VENTRICULAR DYSPLASIA, FAMILIAL, 8. Identifiers: MedGen C1843896, MONDO:0011831, OMIM 607450.
Arrhythmogenic cardiomyopathy with wooly hair and keratoderma. Also called: Carvajal syndrome; PALMOPLANTAR KERATODERMA WITH LEFT VENTRICULAR CARDIOMYOPATHY AND WOOLLY HAIR; Dilated cardiomyopathy with woolly hair and keratoderma; Arrhythmogenic cardiomyopathy with woolly hair and keratoderma. Identifiers: Orphanet 65282, MedGen C1854063, MONDO:0011581, OMIM 605676.
Cardiovascular phenotype. Identifiers: MedGen CN230736.
Cardiomyopathy (CMYO). Also called: Cardiomyopathies. Identifiers: Orphanet 167848, MedGen C0878544, MONDO:0004994, HP:0001638. Inheritance: Various modes of inheritance.

Allele frequency attached by ClinVar (database versions not stated): TOPMed 0.00001; gnomAD 0.00002.
gnomAD v4.1: 40 of 1,613,988 alleles (0.0025%); highest among the groups gnomAD compares: Non-Finnish European, 0.0031%; no homozygotes.

Submissions (5):

Labcorp Genetics (formerly Invitae), Labcorp
Classification: Likely benign for Arrhythmogenic cardiomyopathy with wooly hair and keratoderma; Arrhythmogenic right ventricular dysplasia 8. Last evaluated: 2025-07-02. Review status: criteria provided, single submitter. Criteria: Invitae Variant Classification Sherloc (09022015). Collection method: clinical testing. Allele origin: germline.

All of Us Research Program, National Institutes of Health
Classification: Likely benign for Arrhythmogenic cardiomyopathy with wooly hair and keratoderma. Last evaluated: 2024-01-18. Review status: criteria provided, single submitter. Criteria: ACMG Guidelines, 2015. Collection method: clinical testing. Allele origin: germline. Inheritance: Autosomal dominant inheritance. Observed: 2 variant alleles, 2 heterozygotes.
Comment: This study involves interpretation of variants in research participants for the purpose of population health screening. Participant phenotype was not available at the time of variant classification. Additional details can be found in publication PMID: 35346344, PMCID: PMC8962531

Ambry Genetics
Classification: Likely benign for Cardiovascular phenotype. Last evaluated: 2022-08-07. Review status: criteria provided, single submitter. Criteria: Ambry Variant Classification Scheme 2023. Collection method: clinical testing. Allele origin: germline.

Color Diagnostics, LLC DBA Color Health
Classification: Likely benign for Cardiomyopathy. Last evaluated: 2020-02-18. Review status: criteria provided, single submitter. Criteria: ACMG Guidelines, 2015. Collection method: clinical testing. Allele origin: germline.

CHEO Genetics Diagnostic Laboratory, Children's Hospital of Eastern Ontario
Classification: Uncertain significance for Cardiomyopathy. Last evaluated: 2015-12-22. Review status: criteria provided, single submitter. Criteria: ACMG Guidelines, 2015. Collection method: clinical testing. Allele origin: germline. Study: Canadian Open Genetics Repository.

NM_004415.4(DSP):c.3282G>A (p.Lys1094=)

Gene: DSP (desmoplakin; plus strand). Cytogenetic location: 6p24.3.
Variant type: single nucleotide variant.
Coding change: c.3282G>A on transcript NM_004415.4 (MANE Select); coding-DNA position 3282, G replaced by A.
Protein change: p.Lys1094=; no amino-acid change (lysine 1094 retained).
Molecular consequence: synonymous variant.
Genome position (GRCh38, 1-based): chr6:7,579,472, G>A. VCF-style: chr6-7579472-G-A. GRCh37 (hg19) VCF-style: chr6-7579705-G-A.
Other names: c.3282G>A (LRG_423t1); c.3282G>A, p.Lys1094= (NM_001008844.3, NM_001319034.2).
Identifiers: ClinVar variation 626489 (VCV000626489.16), dbSNP rs2491080, ClinGen allele CA037679.